The following is an entry in ClinVar:

NM_018993.4(RIN2):c.695C>T (p.Ser232Phe)

Gene: RIN2 (Ras and Rab interactor 2; plus strand). Cytogenetic location: 20p11.23.
Variant type: single nucleotide variant.
Coding change: c.695C>T on transcript NM_018993.4 (MANE Select); coding-DNA position 695, C replaced by T.
Protein change: p.Ser232Phe; replaces serine 232 with phenylalanine.
Molecular consequence: missense variant.
Genome position (GRCh38, 1-based): chr20:19,974,720, C>T. VCF-style: chr20-19974720-C-T. GRCh37 (hg19) VCF-style: chr20-19955364-C-T.
Other names: c.842C>T, p.Ser281Phe (NM_001242581.2); c.77C>T, p.Ser26Phe (NM_001378238.1); c.695C>T (NM_018993.3); short protein forms S281F, S232F, S26F.
Identifiers: ClinVar variation 2961265 (VCV002961265.3), dbSNP rs566968975, ClinGen allele CA312415602.

ClinVar aggregate classification (germline): Conflicting classifications of pathogenicity. Review status: criteria provided, conflicting classifications (1 of 4 stars). 3 submissions from 3 submitters: Uncertain significance (2); Likely benign (1). Last evaluated 2025-06-16.

Conditions:
Inborn genetic diseases. Identifiers: MedGen C0950123, MeSH D030342.
RIN2 syndrome. Also called: MACS SYNDROME; TALL FOREHEAD, SPARSE HAIR, SKIN HYPEREXTENSIBILITY, AND SCOLIOSIS. Identifiers: Orphanet 217335, MedGen C2751321, MONDO:0013115, OMIM 613075.

Allele frequency attached by ClinVar (database versions not stated): TOPMed below 0.00001.
gnomAD v4.1: 21 of 1,614,062 alleles (0.0013%); highest among the groups gnomAD compares: African/African-American, 0.012%; no homozygotes.

Submissions (3):

Ambry Genetics
Classification: Uncertain significance for Inborn genetic diseases. Last evaluated: 2025-06-16. Review status: criteria provided, single submitter. Criteria: Ambry Variant Classification Scheme 2023. Collection method: clinical testing. Allele origin: germline.

3billion
Classification: Likely benign for RIN2 syndrome. Last evaluated: 2024-09-20. Review status: criteria provided, single submitter. Criteria: ACMG Guidelines, 2015. Collection method: clinical testing. Allele origin: germline. Affected: no.
Comment: The homozygous variant was found in patients diagnosed with another variant in a different gene, with no symptoms related to the gene containing the homozygous variant.

Labcorp Genetics (formerly Invitae), Labcorp
Classification: Uncertain significance. Last evaluated: 2024-01-22. Review status: criteria provided, single submitter. Criteria: Invitae Variant Classification Sherloc (09022015). Collection method: clinical testing. Allele origin: germline.
Comment: This sequence change replaces serine, which is neutral and polar, with phenylalanine, which is neutral and non-polar, at codon 232 of the RIN2 protein (p.Ser232Phe). This variant is present in population databases (rs566968975, gnomAD 0.01%). This variant has not been reported in the literature in individuals affected with RIN2-related conditions. Experimental studies and prediction algorithms are not available or were not evaluated, and the functional significance of this variant is currently unknown. In summary, the available evidence is currently insufficient to determine the role of this variant in disease. Therefore, it has been classified as a Variant of Uncertain Significance.